The following is an entry in ClinVar:

ClinVar aggregate classification (germline): Uncertain significance (1 of 4 stars; one submission).

Conditions:
Nicolaides-Baraitser syndrome (NCBRS). Also called: SMARCA2-Related Nicolaides-Baraitser Syndrome; Intellectual disability-sparse hair-brachydactyly syndrome. Identifiers: Orphanet 3051, MedGen C1303073, MONDO:0011053, OMIM 601358.
Blepharophimosis-impaired intellectual development syndrome. Identifiers: Orphanet 637013, MedGen C5443984, MONDO:0859139, OMIM 619293.

Submission:

Juno Genomics, Hangzhou Juno Genomics, Inc
Classification: Uncertain significance for Blepharophimosis-impaired intellectual development syndrome; Nicolaides-Baraitser syndrome. Review status: criteria provided, single submitter. Criteria: ACMG Guidelines, 2015. Collection method: clinical testing. Allele origin: germline.
Comment: Absent from controls (or at extremely low frequency if recessive) in Genome Aggregation Database.;Multiple lines of computational evidence support a deleterious effect on the gene or gene product.;Missense variant in a gene that has a low rate of benign missense variation.

NM_003070.5(SMARCA2):c.2782G>A (p.Glu928Lys)

Gene: SMARCA2 (SWI/SNF related BAF chromatin remodeling complex subunit ATPase 2; plus strand). Cytogenetic location: 9p24.3.
Variant type: single nucleotide variant.
Coding change: c.2782G>A on transcript NM_003070.5 (MANE Select); coding-DNA position 2782, G replaced by A.
Protein change: p.Glu928Lys; replaces glutamic acid 928 with lysine.
Molecular consequence: missense variant.
Genome position (GRCh38, 1-based): chr9:2,088,512, G>A. VCF-style: chr9-2088512-G-A. GRCh37 (hg19) VCF-style: chr9-2088512-G-A.
Other names: c.2782G>A, p.Glu928Lys (NM_001289396.2, NM_139045.4); c.2608G>A, p.Glu870Lys (NM_001289397.2); short protein forms E870K, E928K.
Identifiers: ClinVar variation 5019928 (VCV005019928.2).
Genomic context (GRCh38, chr9:2,088,512, plus strand): 5'-ACATCCTTTTCTTTAAAAAATCAAATTCATAATAAGCCTCTCTTACAGGTGGACTTAAAT[G>A]AAGAAGAAACTATATTGATCATCAGGCGTCTACATAAGGTGTTAAGACCATTTTTACTAA-3'
Protein context (NP_003061.3, residues 918-938): AMTGERVDLN[Glu928Lys]EETILIIRRL